The following is an entry in ClinVar:

NM_000057.4(BLM):c.1438T>C (p.Ser480Pro)

Gene: BLM (BLM RecQ like helicase; plus strand). Cytogenetic location: 15q26.1.
Variant type: single nucleotide variant.
Coding change: c.1438T>C on transcript NM_000057.4 (MANE Select); coding-DNA position 1438, T replaced by C.
Protein change: p.Ser480Pro; replaces serine 480 with proline.
Molecular consequence: missense variant.
Genome position (GRCh38, 1-based): chr15:90,760,811, T>C. VCF-style: chr15-90760811-T-C. GRCh37 (hg19) VCF-style: chr15-91304041-T-C.
Other names: c.1438T>C (LRG_20t1); c.1438T>C, p.Ser480Pro (NM_001287246.2, NM_001287247.2); c.313T>C, p.Ser105Pro (NM_001287248.2); short protein forms S480P, S105P.
Identifiers: ClinVar variation 485357 (VCV000485357.14), dbSNP rs1555419877, ClinGen allele CA393843057.
Genomic context (GRCh38, chr15:90,760,811, plus strand): 5'-TCAAATTCTGTTTCTCCTGGGGACTGTTTACTGACTACCACCCTAGGAAAGACAGGATTC[T>C]CTGCCACCAGGAAGAATCTTTTTGAAAGGCCTTTATTCAATACCCATTTACAGAAGTCCT-3'
Protein context (NP_000048.1, residues 470-490): LTTTLGKTGF[Ser480Pro]ATRKNLFERP

ClinVar aggregate classification (germline): Uncertain significance. Review status: criteria provided, multiple submitters, no conflicts (2 of 4 stars). 2 submissions from 2 submitters: Uncertain significance (2). Last evaluated 2025-11-11.

Conditions:
Bloom syndrome (BLM). Also called: Bloom-Torre-Machacek syndrome. Identifiers: Orphanet 125, MedGen C0005859, MONDO:0008876, OMIM 210900.
Hereditary cancer-predisposing syndrome. Also called: Neoplastic Syndromes, Hereditary; Tumor predisposition; Hereditary Cancer Syndrome; Hereditary neoplastic syndrome. Identifiers: Orphanet 140162, MedGen C0027672, MeSH D009386, MONDO:0015356.

Allele frequency attached by ClinVar (database versions not stated): gnomAD exomes below 0.00001.
gnomAD v4.1: 1 of 1,614,086 alleles (0.000062%); highest among the groups gnomAD compares: Non-Finnish European, 0.000085%; no homozygotes.

Submissions (2):

Ambry Genetics
Classification: Uncertain significance for Hereditary cancer-predisposing syndrome. Last evaluated: 2025-11-11. Review status: criteria provided, single submitter. Criteria: Ambry Variant Classification Scheme 2023. Collection method: clinical testing. Allele origin: germline.
Comment: The p.S480P variant (also known as c.1438T>C), located in coding exon 6 of the BLM gene, results from a T to C substitution at nucleotide position 1438. The serine at codon 480 is replaced by proline, an amino acid with similar properties. This amino acid position is well conserved in available vertebrate species. In addition, this alteration is predicted to be tolerated by in silico analysis. Since supporting evidence is limited at this time, the clinical significance of this alteration remains unclear.

Labcorp Genetics (formerly Invitae), Labcorp
Classification: Uncertain significance for Bloom syndrome. Last evaluated: 2025-08-07. Review status: criteria provided, single submitter. Criteria: Invitae Variant Classification Sherloc (09022015). Collection method: clinical testing. Allele origin: germline.
Comment: This sequence change replaces serine, which is neutral and polar, with proline, which is neutral and non-polar, at codon 480 of the BLM protein (p.Ser480Pro). This variant is not present in population databases (gnomAD no frequency). This variant has not been reported in the literature in individuals affected with BLM-related conditions. ClinVar contains an entry for this variant (Variation ID: 485357). Invitae Evidence Modeling of protein sequence and biophysical properties (such as structural, functional, and spatial information, amino acid conservation, physicochemical variation, residue mobility, and thermodynamic stability) indicates that this missense variant is not expected to disrupt BLM protein function with a negative predictive value of 80%. In summary, the available evidence is currently insufficient to determine the role of this variant in disease. Therefore, it has been classified as a Variant of Uncertain Significance.